The following is an entry in ClinVar:

ClinVar aggregate classification (germline): Likely benign. Review status: criteria provided, multiple submitters, no conflicts (2 of 4 stars). 2 submissions from 2 submitters: Likely benign (2). Last evaluated 2026-01-25.

Allele frequency attached by ClinVar (database versions not stated): ExAC 0.00004; gnomAD exomes 0.00004; gnomAD 0.00005; TOPMed 0.00012; 1000 Genomes Project 0.00040; 1000 Genomes Project 30x 0.00062.
gnomAD v4.1: 71 of 1,613,822 alleles (0.0044%); highest among the groups gnomAD compares: Admixed American, 0.04%; no homozygotes.

Submissions (2):

Labcorp Genetics (formerly Invitae), Labcorp
Classification: Likely benign. Last evaluated: 2026-01-25. Review status: criteria provided, single submitter. Criteria: Invitae Variant Classification Sherloc (09022015). Collection method: clinical testing. Allele origin: germline.

CeGaT Center for Human Genetics Tuebingen
Classification: Likely benign. Last evaluated: 2025-12-01. Review status: criteria provided, single submitter. Criteria: CeGaT Center For Human Genetics Tuebingen Variant Classification Criteria Version 2. Collection method: clinical testing. Allele origin: germline. Affected: yes. Observed: 1 variant allele.
Comment: CCDC88C: BP4, BP7

NM_001080414.4(CCDC88C):c.3303C>T (p.Ser1101=)

Gene: CCDC88C (coiled-coil and HOOK domain protein 88C; minus strand). Cytogenetic location: 14q32.11.
Variant type: single nucleotide variant.
Coding change: c.3303C>T on transcript NM_001080414.4 (MANE Select); coding-DNA position 3303, C replaced by T.
Protein change: p.Ser1101=; no amino-acid change (serine 1101 retained).
Molecular consequence: synonymous variant.
Genome position (GRCh38, 1-based): chr14:91,305,819, G>A on the plus strand (C>T on the coding strand, the complement: CCDC88C is on the minus strand). VCF-style: chr14-91305819-G-A. GRCh37 (hg19) VCF-style: chr14-91772163-G-A.
Identifiers: ClinVar variation 2732276 (VCV002732276.8), dbSNP rs183436254, ClinGen allele CA7309399.